The following is an entry in ClinVar:

NM_181507.2(HPS5):c.2864G>A (p.Gly955Asp)

Gene: HPS5 (HPS5 biogenesis of lysosomal organelles complex 2 subunit 2; minus strand). Cytogenetic location: 11p15.1.
Variant type: single nucleotide variant.
Coding change: c.2864G>A on transcript NM_181507.2 (MANE Select); coding-DNA position 2864, G replaced by A.
Protein change: p.Gly955Asp; replaces glycine 955 with aspartic acid.
Molecular consequence: missense variant.
Genome position (GRCh38, 1-based): chr11:18,285,433, C>T on the plus strand (G>A on the coding strand, the complement: HPS5 is on the minus strand). VCF-style: chr11-18285433-C-T. GRCh37 (hg19) VCF-style: chr11-18306980-C-T.
Other names: c.2522G>A, p.Gly841Asp (NM_007216.4, NM_181508.2); short protein forms G841D, G955D.
Identifiers: ClinVar variation 1973351 (VCV001973351.3), dbSNP rs1426511060, ClinGen allele CA379515623.

ClinVar aggregate classification (germline): Uncertain significance (1 of 4 stars; one submission).

Allele frequency attached by ClinVar (database versions not stated): TOPMed 0.00001; gnomAD exomes below 0.00001.
gnomAD v4.1: 6 of 1,612,664 alleles (0.00037%); highest among the groups gnomAD compares: Non-Finnish European, 0.00051%; no homozygotes.

Submission:

Labcorp Genetics (formerly Invitae), Labcorp
Classification: Uncertain significance. Last evaluated: 2025-02-10. Review status: criteria provided, single submitter. Criteria: Invitae Variant Classification Sherloc (09022015). Collection method: clinical testing. Allele origin: germline.
Comment: This sequence change replaces glycine, which is neutral and non-polar, with aspartic acid, which is acidic and polar, at codon 955 of the HPS5 protein (p.Gly955Asp). This variant is present in population databases (no rsID available, gnomAD 0.0009%). This variant has not been reported in the literature in individuals affected with HPS5-related conditions. ClinVar contains an entry for this variant (Variation ID: 1973351). An algorithm developed to predict the effect of missense changes on protein structure and function (PolyPhen-2) suggests that this variant is likely to be disruptive. In summary, the available evidence is currently insufficient to determine the role of this variant in disease. Therefore, it has been classified as a Variant of Uncertain Significance.